The following is an entry in ClinVar:

NM_033305.3(VPS13A):c.1685_1698del (p.Met562fs)

Gene: VPS13A (vacuolar protein sorting 13 homolog A; plus strand). Cytogenetic location: 9q21.2.
Variant type: Deletion.
Coding change: c.1685_1698del on transcript NM_033305.3 (MANE Select); coding-DNA positions 1685 to 1698, 14 bases deleted (TGTCACTTTTCCAA).
Protein change: p.Met562fs; shifts the reading frame from methionine 562.
Molecular consequence: frameshift variant.
Genome position (GRCh38, 1-based): chr9:77,238,091-77,238,104, TGTCACTTTTCCAA deleted; deleting any 14 consecutive bases within chr9:77,238,088-77,238,104 gives the same sequence; the c. name uses the placement nearest the transcript's 3' end. VCF-style (leftmost placement, unchanged base first): chr9-77238087-GCAATGTCACTTTTC-G. GRCh37 (hg19) VCF-style: chr9-79853003-GCAATGTCACTTTTC-G.
Other names: c.1685_1698del, p.Met562fs (NM_001018037.2, NM_001018038.3, NM_015186.4); short protein forms M562fs.
Identifiers: ClinVar variation 4816382 (VCV004816382.1).

ClinVar aggregate classification (germline): Likely pathogenic (1 of 4 stars; one submission).

Conditions:
VPS13A-related neurodegenerative disease. Also called: LEVINE-CRITCHLEY SYNDROME; Choreoacanthocytosis; Chorea-acanthocytosis; ACANTHOCYTOSIS WITH NEUROLOGIC DISORDER; VPS13A Disease; Choreaacanthocytosis. Identifiers: Orphanet 2388, MedGen C0393576, MONDO:0008695, OMIM 200150.

Submission:

Natera, Inc.
Classification: Likely pathogenic for Choreaacanthocytosis. Last evaluated: 2024-05-15. Review status: criteria provided, single submitter. Criteria: Natera Variant Classification Schema (03/2026). Collection method: clinical testing. Allele origin: germline.
Comment: The c.1685_1698del variant in VPS13A is a frameshift variant predicted to shift the reading frame beginning at codon 562 and leads to a stop codon 4 codons downstream. This variant is expected to result in nonsense mediated decay, truncation, or a dysfunctional protein product. This variant is rare in the general population with a frequency below the threshold expected for the associated phenotype(s). Given the available evidence, this variant is classified as Likely Pathogenic.